The following is an entry in ClinVar:

NM_001160372.4(TRAPPC9):c.3137G>A (p.Arg1046Gln)

Gene: TRAPPC9 (trafficking protein particle complex subunit 9; minus strand). Cytogenetic location: 8q24.3.
Variant type: single nucleotide variant.
Coding change: c.3137G>A on transcript NM_001160372.4 (MANE Select); coding-DNA position 3137, G replaced by A.
Protein change: p.Arg1046Gln; replaces arginine 1046 with glutamine.
Molecular consequence: missense variant. On other transcripts: non-coding transcript variant (1).
Genome position (GRCh38, 1-based): chr8:139,732,121, C>T on the plus strand (G>A on the coding strand, the complement: TRAPPC9 is on the minus strand). VCF-style: chr8-139732121-C-T. GRCh37 (hg19) VCF-style: chr8-140744364-C-T.
Other names: c.3110G>A, p.Arg1037Gln (NM_001321646.2); c.3158G>A, p.Arg1053Gln (NM_001374682.1); c.3026G>A, p.Arg1009Gln (NM_001374683.1); c.2993G>A, p.Arg998Gln (NM_001374684.1); c.3137G>A, p.Arg1046Gln (NM_031466.8); short protein forms R1009Q, R1053Q, R1037Q, R1046Q, R998Q.
Identifiers: ClinVar variation 1034115 (VCV001034115.1), dbSNP rs545480303, ClinGen allele CA4892797.

ClinVar aggregate classification (germline): Uncertain significance (1 of 4 stars; one submission).

Conditions:
Intellectual developmental disorder, autosomal recessive 13. Also called: Intellectual disability, autosomal recessive 13. Identifiers: Orphanet 88616, MedGen C2750791, MONDO:0013173, OMIM 613192.

Allele frequency attached by ClinVar (database versions not stated): TOPMed 0.00001; gnomAD exomes 0.00002; ExAC 0.00003; 1000 Genomes Project 0.00020; 1000 Genomes Project 30x 0.00016; gnomAD 0.00003.
gnomAD v4.1: 22 of 1,606,954 alleles (0.0014%); highest among the groups gnomAD compares: East Asian, 0.0067%; no homozygotes.

Submission:

Baylor Genetics
Classification: Uncertain significance for Intellectual developmental disorder, autosomal recessive 13. Last evaluated: 2018-12-17. Review status: criteria provided, single submitter. Criteria: ACMG Guidelines, 2015. Collection method: clinical testing. Allele origin: maternal. Affected: yes.
Comment: This variant was determined to be of uncertain significance according to ACMG Guidelines, 2015 [PMID:25741868].